The following is an entry in ClinVar:

ClinVar aggregate classification (germline): Uncertain significance (1 of 4 stars; one submission).

Conditions:
Hereditary nonpolyposis colorectal neoplasms. Identifiers: MedGen C0009405, MeSH D003123.

Submission:

Labcorp Genetics (formerly Invitae), Labcorp
Classification: Uncertain significance for Hereditary nonpolyposis colorectal neoplasms. Last evaluated: 2021-05-29. Review status: criteria provided, single submitter. Criteria: Invitae Variant Classification Sherloc (09022015). Collection method: clinical testing. Allele origin: germline.
Comment: Experimental studies and prediction algorithms are not available or were not evaluated, and the functional significance of this variant is currently unknown. This variant has not been reported in the literature in individuals with PMS2-related conditions. This variant is a complex rearrangement that results in the partial deletion of exon 11 of the PMS2 gene. There is also some indication that the surrounding sequence could be disrupted, but the exact nature of this event is unknown. In summary, the available evidence is currently insufficient to determine the role of this variant in disease. Therefore, it has been classified as a Variant of Uncertain Significance.

NC_000007.13:g.(?_6026369)_(6026833_?)del

Gene: PMS2 (PMS1 homolog 2, mismatch repair system component; minus strand). Cytogenetic location: 7p22.1.
Variant type: Deletion.
Identifiers: ClinVar variation 1467465 (VCV001467465.4).